The following is an entry in ClinVar:

ClinVar aggregate classification (germline): Uncertain significance (1 of 4 stars; one submission).

Conditions:
POLD1-related polyposis and colorectal cancer syndrome (CRCS10). Also called: Colorectal cancer 10; COLORECTAL CANCER, SUSCEPTIBILITY TO, ON CHROMOSOME 19q; Colorectal cancer, susceptibility to, 10. Identifiers: Orphanet 220460, MedGen C2675481, MONDO:0012953, OMIM 612591.

Submission:

Labcorp Genetics (formerly Invitae), Labcorp
Classification: Uncertain significance for POLD1-related polyposis and colorectal cancer syndrome. Last evaluated: 2024-04-22. Review status: criteria provided, single submitter. Criteria: Invitae Variant Classification Sherloc (09022015). Collection method: clinical testing. Allele origin: germline.
Comment: This sequence change replaces threonine, which is neutral and polar, with alanine, which is neutral and non-polar, at codon 383 of the POLD1 protein (p.Thr383Ala). This variant is not present in population databases (gnomAD no frequency). This variant has not been reported in the literature in individuals affected with POLD1-related conditions. ClinVar contains an entry for this variant (Variation ID: 469181). Advanced modeling of protein sequence and biophysical properties (such as structural, functional, and spatial information, amino acid conservation, physicochemical variation, residue mobility, and thermodynamic stability) performed at Invitae indicates that this missense variant is not expected to disrupt POLD1 protein function with a negative predictive value of 80%. In summary, the available evidence is currently insufficient to determine the role of this variant in disease. Therefore, it has been classified as a Variant of Uncertain Significance.

NM_002691.4(POLD1):c.1147A>G (p.Thr383Ala)

Gene: POLD1 (DNA polymerase delta 1, catalytic subunit; plus strand). Cytogenetic location: 19q13.33.
Variant type: single nucleotide variant.
Coding change: c.1147A>G on transcript NM_002691.4 (MANE Select); coding-DNA position 1147, A replaced by G.
Protein change: p.Thr383Ala; replaces threonine 383 with alanine.
Molecular consequence: missense variant. On other transcripts: non-coding transcript variant (1).
Genome position (GRCh38, 1-based): chr19:50,403,502, A>G. VCF-style: chr19-50403502-A-G. GRCh37 (hg19) VCF-style: chr19-50906759-A-G.
Other names: c.1147A>G, p.Thr383Ala (NM_001256849.1, NM_001308632.1); short protein forms T383A.
Identifiers: ClinVar variation 469181 (VCV000469181.8), dbSNP rs1555790559, ClinGen allele CA406978442.